The following is an entry in ClinVar:

NM_052947.4(ALPK2):c.4832C>A (p.Thr1611Asn)

Genes: ALPK2 (alpha kinase 2; minus strand), LOC126862764 (BRD4-independent group 4 enhancer GRCh37_chr18:56202574-56203773; plus strand). Cytogenetic location: 18q21.31.
Variant type: single nucleotide variant.
Coding change: c.4832C>A on transcript NM_052947.4 (MANE Select); coding-DNA position 4832, C replaced by A.
Protein change: p.Thr1611Asn; replaces threonine 1611 with asparagine.
Molecular consequence: missense variant.
Genome position (GRCh38, 1-based): chr18:58,535,355, G>T on the plus strand (C>A on the coding strand, the complement: ALPK2 is on the minus strand). VCF-style: chr18-58535355-G-T. GRCh37 (hg19) VCF-style: chr18-56202587-G-T.
Other names: short protein forms T1611N.
Identifiers: ClinVar variation 1743442 (VCV001743442.2), dbSNP rs2518873988, ClinGen allele CA402559611.

ClinVar aggregate classification (germline): Uncertain significance (1 of 4 stars; one submission).

Submission:

Ambry Genetics
Classification: Uncertain significance. Last evaluated: 2022-07-17. Review status: criteria provided, single submitter. Criteria: Ambry Variant Classification Scheme 2023. Collection method: clinical testing. Allele origin: germline.
Comment: The p.T1611N variant (also known as c.4832C>A), located in coding exon 4 of the ALPK2 gene, results from a C to A substitution at nucleotide position 4832. The threonine at codon 1611 is replaced by asparagine, an amino acid with similar properties. This amino acid position is conserved. In addition, this alteration is predicted to be tolerated by in silico analysis. Since supporting evidence is limited at this time, the clinical significance of this alteration remains unclear.